The following is an entry in ClinVar:

ClinVar aggregate classification (germline): Pathogenic (1 of 4 stars; one submission).

Submission:

Labcorp Genetics (formerly Invitae), Labcorp
Classification: Pathogenic. Last evaluated: 2023-02-01. Review status: criteria provided, single submitter. Criteria: Invitae Variant Classification Sherloc (09022015). Collection method: clinical testing. Allele origin: unknown.
Comment: For these reasons, this variant has been classified as Pathogenic. This variant disrupts a region of the NPHS1 protein in which other variant(s) (p.Trp1205Glyfs*32) have been determined to be pathogenic (PMID: 21415313). This suggests that this is a clinically significant region of the protein, and that variants that disrupt it are likely to be disease-causing. This variant has not been reported in the literature in individuals affected with NPHS1-related conditions. This variant is a gross deletion of the genomic region encompassing exon(s) 29 of the NPHS1 gene, which includes the termination codon. This deletion extends beyond the assayed region for this gene and therefore may encompass additional genes. While this deletion is not anticipated to lead to nonsense mediated decay, it is expected to alter mRNA translation or result in a truncated protein product.

Literature cited by the submitters: PubMed 21415313.

NC_000019.9:g.(?_36317416)_(36317567_?)del

Gene: NPHS1 (NPHS1 adhesion molecule, nephrin; minus strand). Cytogenetic location: 19q13.12.
Variant type: Deletion.
Identifiers: ClinVar variation 3242675 (VCV003242675.1).